The following is an entry in ClinVar:

ClinVar aggregate classification (germline): Uncertain significance. Review status: criteria provided, multiple submitters, no conflicts (2 of 4 stars). 2 submissions from 2 submitters: Uncertain significance (2). Last evaluated 2025-12-22.

gnomAD v4.1: 2 of 1,613,968 alleles (0.00012%); highest among the groups gnomAD compares: Non-Finnish European, 0.00017%; no homozygotes.

Submissions (2):

Labcorp Genetics (formerly Invitae), Labcorp
Classification: Uncertain significance. Last evaluated: 2025-12-22. Review status: criteria provided, single submitter. Criteria: Invitae Variant Classification Sherloc (09022015). Collection method: clinical testing. Allele origin: germline.
Comment: This sequence change replaces valine, which is neutral and non-polar, with alanine, which is neutral and non-polar, at codon 540 of the NYNRIN protein (p.Val540Ala). This variant is present in population databases (rs766117294, gnomAD 0.002%). This variant has not been reported in the literature in individuals affected with NYNRIN-related conditions. ClinVar contains an entry for this variant (Variation ID: 3409162). Experimental studies and prediction algorithms are not available or were not evaluated, and the functional significance of this variant is currently unknown. In summary, the available evidence is currently insufficient to determine the role of this variant in disease. Therefore, it has been classified as a Variant of Uncertain Significance.

Ambry Genetics
Classification: Uncertain significance. Last evaluated: 2024-12-10. Review status: criteria provided, single submitter. Criteria: Ambry Variant Classification Scheme 2023. Collection method: clinical testing. Allele origin: germline.

NM_025081.3(NYNRIN):c.1619T>C (p.Val540Ala)

Gene: NYNRIN (NYN domain and retroviral integrase containing; plus strand). Cytogenetic location: 14q12.
Variant type: single nucleotide variant.
Coding change: c.1619T>C on transcript NM_025081.3 (MANE Select); coding-DNA position 1619, T replaced by C.
Protein change: p.Val540Ala; replaces valine 540 with alanine.
Molecular consequence: missense variant.
Genome position (GRCh38, 1-based): chr14:24,409,413, T>C. VCF-style: chr14-24409413-T-C. GRCh37 (hg19) VCF-style: chr14-24878619-T-C.
Other names: short protein forms V540A.
Identifiers: ClinVar variation 3409162 (VCV003409162.2).
Genomic context (GRCh38, chr14:24,409,413, plus strand): 5'-AAGGGAAGCCCGTGGCTCAAGGGGGGCTGACAGATCAGTCAGTACCTGGAGCTCAAACAG[T>C]GCCTGAAACTCTCAAAGTGCCCATGGCTGCAGCAGTGCCCAAAGCTGAAAATCCCTCCAG-3'
Protein context (NP_079357.2, residues 530-550): TDQSVPGAQT[Val540Ala]PETLKVPMAA